The following is an entry in ClinVar:

NM_001278716.2(FBXL4):c.109G>A (p.Ala37Thr)

Gene: FBXL4 (F-box and leucine rich repeat protein 4; minus strand). Cytogenetic location: 6q16.2.
Variant type: single nucleotide variant.
Coding change: c.109G>A on transcript NM_001278716.2 (MANE Select); coding-DNA position 109, G replaced by A.
Protein change: p.Ala37Thr; replaces alanine 37 with threonine.
Molecular consequence: missense variant. On other transcripts: non-coding transcript variant (2).
Genome position (GRCh38, 1-based): chr6:98,926,880, C>T on the plus strand (G>A on the coding strand, the complement: FBXL4 is on the minus strand). VCF-style: chr6-98926880-C-T. GRCh37 (hg19) VCF-style: chr6-99374756-C-T.
Other names: c.109G>A, p.Ala37Thr (NM_012160.5); short protein forms A37T.
Identifiers: ClinVar variation 437537 (VCV000437537.1), dbSNP rs779572354, ClinGen allele CA3933735.

ClinVar aggregate classification (germline): Uncertain significance (1 of 4 stars; one submission).

Conditions:
Mitochondrial DNA depletion syndrome 13. Also called: FBXL4-Related Encephalomyopathic Mitochondrial DNA Depletion Syndrome; Mitochondrial DNA depletion syndrome 13 (encephalomyopathic type). Identifiers: Orphanet 369897, MedGen C3809592, MONDO:0014198, OMIM 615471.

Allele frequency attached by ClinVar (database versions not stated): gnomAD exomes 0.00001; ExAC 0.00002; gnomAD 0.00002 and 0.00003; TOPMed 0.00003.
gnomAD v4.1: 3 of 1,614,046 alleles (0.00019%); highest among the groups gnomAD compares: African/African-American, 0.004%; no homozygotes.

Submission:

Wong Mito Lab, Molecular and Human Genetics, Baylor College of Medicine
Classification: Uncertain significance for Mitochondrial DNA depletion syndrome 13. Last evaluated: 2017-08-10. Review status: criteria provided, single submitter. Criteria: ACMG Guidelines, 2015. Collection method: reference population. Allele origin: germline.
Comment: The NM_012160.4:c.109G>A (NP_036292.2:p.Ala37Thr) [GRCH38: NC_000006.12:g.98926880C>T] variant in FBXL4 gene is interpretated to be a Uncertain Significance - Conflicting Evidence based on ACMG guidelines (PMID: 25741868). This variant meets one or more of the following evidence codes reported in the ACMG-guideline. PM2:This variant is absent in key population databases. BP4:Computational evidence/predictors indicate no impact on the FBXL4 structure, function, or protein-protein interaction. Based on this evidence code ClinGen Pathogenicity Calculator (PMID:28081714) suggested that the variant is Uncertain Significance - Conflicting Evidence.